The following is an entry in ClinVar:

ClinVar aggregate classification (germline): Conflicting classifications of pathogenicity. Review status: criteria provided, conflicting classifications (1 of 4 stars). 8 submissions from 8 submitters: Uncertain significance (6); Likely benign (1). 1 of the submissions does not count toward it. Last evaluated 2025-08-27.

Conditions:
Cardiovascular phenotype. Identifiers: MedGen CN230736.
Alstrom syndrome (ALMS). Identifiers: Orphanet 64, MedGen C0268425, MONDO:0008763, OMIM 203800.

Allele frequency attached by ClinVar (database versions not stated): gnomAD exomes 0.00002; gnomAD 0.00003; ExAC 0.00005; TOPMed 0.00007.
gnomAD v4.1: 43 of 1,613,918 alleles (0.0027%); highest among the groups gnomAD compares: Middle Eastern, 0.082%; no homozygotes.

Submissions (8):

Ambry Genetics
Classification: Likely benign for Cardiovascular phenotype. Last evaluated: 2025-08-27. Review status: criteria provided, single submitter. Criteria: Ambry Variant Classification Scheme 2023. Collection method: clinical testing. Allele origin: germline.

Blueprint Genetics
Classification: Uncertain significance. Last evaluated: 2024-08-30. Review status: criteria provided, single submitter. Criteria: ACMG Guidelines, 2015. Collection method: clinical testing. Allele origin: germline.

Labcorp Genetics (formerly Invitae), Labcorp
Classification: Uncertain significance for Alstrom syndrome. Last evaluated: 2022-11-01. Review status: criteria provided, single submitter. Criteria: Invitae Variant Classification Sherloc (09022015). Collection method: clinical testing. Allele origin: germline.
Comment: This sequence change replaces glutamine, which is neutral and polar, with histidine, which is basic and polar, at codon 1909 of the ALMS1 protein (p.Gln1909His). This variant is present in population databases (rs779739318, gnomAD 0.006%). This variant has not been reported in the literature in individuals affected with ALMS1-related conditions. ClinVar contains an entry for this variant (Variation ID: 459873). Experimental studies and prediction algorithms are not available or were not evaluated, and the functional significance of this variant is currently unknown. In summary, the available evidence is currently insufficient to determine the role of this variant in disease. Therefore, it has been classified as a Variant of Uncertain Significance.

Fulgent Genetics
Classification: Uncertain significance for Alstrom syndrome. Last evaluated: 2022-04-27. Review status: criteria provided, single submitter. Criteria: ACMG Guidelines, 2015. Collection method: clinical testing. Allele origin: unknown.

Genome-Nilou Lab
Classification: Uncertain significance for Alstrom syndrome. Last evaluated: 2021-06-10. Review status: criteria provided, single submitter. Criteria: ACMG Guidelines, 2015. Collection method: clinical testing. Allele origin: germline. Affected: no.

GeneDx
Classification: Uncertain significance. Last evaluated: 2021-05-06. Review status: criteria provided, single submitter. Criteria: GeneDx Variant Classification Process June 2021. Collection method: clinical testing. Allele origin: germline. Affected: yes.
Comment: Not observed at a significant frequency in large population cohorts (Lek et al., 2016); In silico analysis, which includes protein predictors and evolutionary conservation, supports that this variant does not alter protein structure/function; Has not been previously published as pathogenic or benign to our knowledge

Breakthrough Genomics
Classification: Uncertain significance. Review status: criteria provided, single submitter. Criteria: ACMG Guidelines, 2015. Collection method: not provided. Allele origin: germline. Inheritance: Autosomal recessive inheritance. Affected: yes.

Natera, Inc.
Classification: Uncertain significance for Alstrom syndrome. Last evaluated: 2019-10-28. Review status: no assertion criteria provided. Collection method: clinical testing. Allele origin: germline. Not counted in ClinVar's aggregate classification.

NM_001378454.1(ALMS1):c.5724G>C (p.Gln1908His)

Gene: ALMS1 (ALMS1 centrosome and basal body associated protein; plus strand). Cytogenetic location: 2p13.1.
Variant type: single nucleotide variant.
Coding change: c.5724G>C on transcript NM_001378454.1 (MANE Select); coding-DNA position 5724, G replaced by C.
Protein change: p.Gln1908His; replaces glutamine 1908 with histidine.
Molecular consequence: missense variant.
Genome position (GRCh38, 1-based): chr2:73,452,251, G>C. VCF-style: chr2-73452251-G-C. GRCh37 (hg19) VCF-style: chr2-73679378-G-C.
Other names: c.5727G>C, p.Gln1909His (NM_015120.4); short protein forms Q1909H, Q1908H.
Identifiers: ClinVar variation 459873 (VCV000459873.15), dbSNP rs779739318, ClinGen allele CA1713928.
Genomic context (GRCh38, chr2:73,452,251, plus strand): 5'-ACAAATAGCATCCTCTAGTTCCTACTCAAATAGAGAGAAGGCCAGTATTTTTCATCAGCA[G>C]GAGTTGCCAGATGTTACTGAAGAAGCTTTAAATGTTTTTGTTGTTCCTGGACAAGGTGAC-3'
Protein context (NP_001365383.1, residues 1898-1918): NREKASIFHQ[Gln1908His]ELPDVTEEAL